The following is an entry in ClinVar:

NM_001159773.2(CANT1):c.*1376C>G

Gene: CANT1 (calcium activated nucleotidase 1; minus strand). Cytogenetic location: 17q25.3.
Variant type: single nucleotide variant.
Coding change: c.*1376C>G on transcript NM_001159773.2 (MANE Select); 1376 bases downstream of the stop codon, C replaced by G.
Molecular consequence: 3 prime UTR variant.
Genome position (GRCh38, 1-based): chr17:78,992,174, G>C on the plus strand (C>G on the coding strand, the complement: CANT1 is on the minus strand). VCF-style: chr17-78992174-G-C. GRCh37 (hg19) VCF-style: chr17-76988256-G-C.
Other names: c.*1376C>G (NM_001159772.2, NM_138793.4).
Identifiers: ClinVar variation 325671 (VCV000325671.5), dbSNP rs139673784, ClinGen allele CA10651194.

ClinVar aggregate classification (germline): Likely benign (1 of 4 stars; one submission).

Conditions:
Desbuquois dysplasia 1 (DBQD1). Also called: MICROMELIC DWARFISM WITH VERTEBRAL AND METAPHYSEAL ABNORMALITIES AND ADVANCED CARPOTARSAL OSSIFICATION; DESBUQUOIS DYSPLASIA 1, KIM VARIANT. Identifiers: Orphanet 1425, MedGen C4012146, MONDO:0009629, OMIM 251450.

Allele frequency attached by ClinVar (database versions not stated): gnomAD exomes 0.00073; 1000 Genomes Project 0.00359; 1000 Genomes Project 30x 0.00375; gnomAD 0.00440 and 0.00478; TOPMed 0.00514.

Submission:

Illumina Laboratory Services, Illumina
Classification: Likely benign for Desbuquois dysplasia 1. Last evaluated: 2018-01-12. Review status: criteria provided, single submitter. Criteria: ICSL Variant Classification Criteria 13 December 2019. Collection method: clinical testing. Allele origin: germline.
Comment: This variant was observed in the ICSL laboratory as part of a predisposition screen in an ostensibly healthy population. It had not been previously curated by ICSL or reported in the Human Gene Mutation Database (HGMD: prior to June 1st, 2018), and was therefore a candidate for classification through an automated scoring system. Utilizing variant allele frequency, disease prevalence and penetrance estimates, and inheritance mode, an automated score was calculated to assess if this variant is too frequent to cause the disease. Based on the score and internal cut-off values, a variant classified as likely benign is not then subjected to further curation. The score for this variant resulted in a classification of likely benign for this disease.